The following is an entry in ClinVar:

NM_000069.3(CACNA1S):c.4415G>T (p.Arg1472Leu)

Gene: CACNA1S (calcium voltage-gated channel subunit alpha1 S; minus strand). Cytogenetic location: 1q32.1.
Variant type: single nucleotide variant.
Coding change: c.4415G>T on transcript NM_000069.3 (MANE Select); coding-DNA position 4415, G replaced by T.
Protein change: p.Arg1472Leu; replaces arginine 1472 with leucine.
Molecular consequence: missense variant.
Genome position (GRCh38, 1-based): chr1:201,048,608, C>A on the plus strand (G>T on the coding strand, the complement: CACNA1S is on the minus strand). VCF-style: chr1-201048608-C-A. GRCh37 (hg19) VCF-style: chr1-201017736-C-A.
Other names: c.4415G>T (NM_000069.2); short protein forms R1472L.
Identifiers: ClinVar variation 2191108 (VCV002191108.7), dbSNP rs201463541, ClinGen allele CA36000291.

ClinVar aggregate classification (germline): Uncertain significance. Review status: criteria provided, multiple submitters, no conflicts (2 of 4 stars). 4 submissions from 4 submitters: Uncertain significance (4). Last evaluated 2024-03-08.

Conditions:
Hypokalemic periodic paralysis, type 1. Also called: Hypokalemic Periodic Paralysis Type 1 (AD); HypoPP. Identifiers: Orphanet 681, MedGen C3714580, MONDO:0042979, OMIM 170400.
Malignant hyperthermia, susceptibility to, 5 (MHS5). Also called: CACNA1S-Related Malignant Hyperthermia Susceptibility. Identifiers: Orphanet 423, MedGen C1866077, MONDO:0011163, OMIM 601887.
Inborn genetic diseases. Identifiers: MedGen C0950123, MeSH D030342.

gnomAD v4.1: 7 of 1,613,542 alleles (0.00043%); highest among the groups gnomAD compares: African/African-American, 0.0053%; no homozygotes.

Submissions (4):

Ambry Genetics
Classification: Uncertain significance for Inborn genetic diseases. Last evaluated: 2024-03-08. Review status: criteria provided, single submitter. Criteria: Ambry Variant Classification Scheme 2023. Collection method: clinical testing. Allele origin: germline.

All of Us Research Program, National Institutes of Health
Classification: Uncertain significance for Malignant hyperthermia, susceptibility to, 5. Last evaluated: 2023-11-30. Review status: criteria provided, single submitter. Criteria: ACMG Guidelines, 2015. Collection method: clinical testing. Allele origin: germline. Inheritance: Autosomal dominant inheritance. Observed: 2 variant alleles, 2 heterozygotes.
Comment: This study involves interpretation of variants in research participants for the purpose of population health screening. Participant phenotype was not available at the time of variant classification. Additional details can be found in publication PMID: 35346344, PMCID: PMC8962531

Blueprint Genetics
Classification: Uncertain significance. Last evaluated: 2022-09-30. Review status: criteria provided, single submitter. Criteria: ACMG Guidelines, 2015. Collection method: clinical testing. Allele origin: germline.

Labcorp Genetics (formerly Invitae), Labcorp
Classification: Uncertain significance for Hypokalemic periodic paralysis, type 1; Malignant hyperthermia, susceptibility to, 5. Last evaluated: 2022-06-17. Review status: criteria provided, single submitter. Criteria: Invitae Variant Classification Sherloc (09022015). Collection method: clinical testing. Allele origin: germline.
Comment: This sequence change replaces arginine, which is basic and polar, with leucine, which is neutral and non-polar, at codon 1472 of the CACNA1S protein (p.Arg1472Leu). This variant is not present in population databases (gnomAD no frequency). In summary, the available evidence is currently insufficient to determine the role of this variant in disease. Therefore, it has been classified as a Variant of Uncertain Significance. Advanced modeling of protein sequence and biophysical properties (such as structural, functional, and spatial information, amino acid conservation, physicochemical variation, residue mobility, and thermodynamic stability) performed at Invitae indicates that this missense variant is expected to disrupt CACNA1S protein function. This variant has not been reported in the literature in individuals affected with CACNA1S-related conditions.